The following is an entry in ClinVar:

NM_001184727.2(GPRASP1):c.783C>G (p.Pro261=)

Genes: ARMCX5-GPRASP2 (ARMCX5-GPRASP2 readthrough; plus strand), GPRASP1 (G protein-coupled receptor associated sorting protein 1; plus strand). Cytogenetic location: Xq22.1.
Variant type: single nucleotide variant.
Coding change: c.783C>G on transcript NM_001184727.2 (MANE Select); coding-DNA position 783, C replaced by G.
Protein change: p.Pro261=; no amino-acid change (proline 261 retained).
Molecular consequence: synonymous variant. On other transcripts: intron variant (2).
Genome position (GRCh38, 1-based): chrX:102,654,696, C>G. VCF-style: chrX-102654696-C-G. GRCh37 (hg19) VCF-style: chrX-101909624-C-G.
Other names: c.783C>G, p.Pro261= (NM_001099410.2, NM_001099411.2, NM_014710.5); c.-480+49043C>G (NM_001199818.1); c.-966+49043C>G (NM_001350268.2).
Identifiers: ClinVar variation 2661079 (VCV002661079.24), dbSNP rs145935226, ClinGen allele CA10476060.

ClinVar aggregate classification (germline): Likely benign (1 of 4 stars; one submission).

Allele frequency attached by ClinVar (database versions not stated): gnomAD exomes 0.00017; gnomAD 0.00019; TOPMed 0.00019; ExAC 0.00021; ESP Exome Variant Server 0.00047; 1000 Genomes Project 0.00132; 1000 Genomes Project 30x 0.00166.
gnomAD v4.1: 203 of 1,209,925 alleles (0.017%); highest among the groups gnomAD compares: Middle Eastern, 0.046%; no homozygotes.

Submission:

CeGaT Center for Human Genetics Tuebingen
Classification: Likely benign. Last evaluated: 2023-04-01. Review status: criteria provided, single submitter. Criteria: CeGaT Center For Human Genetics Tuebingen Variant Classification Criteria Version 2. Collection method: clinical testing. Allele origin: germline. Affected: yes. Observed: 1 variant allele.
Comment: GPRASP1: BP4, BP7, BS2